The following is an entry in ClinVar:

NM_006063.3(KLHL41):c.391G>A (p.Ala131Thr)

Gene: KLHL41 (kelch like family member 41; plus strand). Cytogenetic location: 2q31.1.
Variant type: single nucleotide variant.
Coding change: c.391G>A on transcript NM_006063.3 (MANE Select); coding-DNA position 391, G replaced by A.
Protein change: p.Ala131Thr; replaces alanine 131 with threonine.
Molecular consequence: missense variant.
Genome position (GRCh38, 1-based): chr2:169,510,169, G>A. VCF-style: chr2-169510169-G-A. GRCh37 (hg19) VCF-style: chr2-170366679-G-A.
Other names: short protein forms A131T.
Identifiers: ClinVar variation 1400954 (VCV001400954.6), dbSNP rs1202015569, ClinGen allele CA349174208.

ClinVar aggregate classification (germline): Uncertain significance (1 of 4 stars; one submission).

Conditions:
Nemaline myopathy 9 (NEM9). Identifiers: MedGen C3810384, MONDO:0014326, OMIM 615731.

Allele frequency attached by ClinVar (database versions not stated): gnomAD exomes below 0.00001.

Submission:

Labcorp Genetics (formerly Invitae), Labcorp
Classification: Uncertain significance for Nemaline myopathy 9. Last evaluated: 2021-08-11. Review status: criteria provided, single submitter. Criteria: Invitae Variant Classification Sherloc (09022015). Collection method: clinical testing. Allele origin: germline.
Comment: This variant has not been reported in the literature in individuals affected with KLHL41-related conditions. This variant is not present in population databases (ExAC no frequency). This sequence change replaces alanine with threonine at codon 131 of the KLHL41 protein (p.Ala131Thr). The alanine residue is highly conserved and there is a small physicochemical difference between alanine and threonine. Algorithms developed to predict the effect of missense changes on protein structure and function are either unavailable or do not agree on the potential impact of this missense change (SIFT: "Deleterious"; PolyPhen-2: "Benign"; Align-GVGD: "Class C0"). In summary, the available evidence is currently insufficient to determine the role of this variant in disease. Therefore, it has been classified as a Variant of Uncertain Significance.